The following is an entry in ClinVar:

NM_033100.4(CDHR1):c.143C>A (p.Thr48Asn)

Gene: CDHR1 (cadherin related family member 1; plus strand). Cytogenetic location: 10q23.1.
Variant type: single nucleotide variant.
Coding change: c.143C>A on transcript NM_033100.4 (MANE Select); coding-DNA position 143, C replaced by A.
Protein change: p.Thr48Asn; replaces threonine 48 with asparagine.
Molecular consequence: missense variant.
Genome position (GRCh38, 1-based): chr10:84,195,581, C>A. VCF-style: chr10-84195581-C-A. GRCh37 (hg19) VCF-style: chr10-85955337-C-A.
Other names: c.143C>A, p.Thr48Asn (NM_001171971.3); short protein forms T48N.
Identifiers: ClinVar variation 833525 (VCV000833525.14), dbSNP rs201698218, ClinGen allele CA5579414.

ClinVar aggregate classification (germline): Conflicting classifications of pathogenicity. Review status: criteria provided, conflicting classifications (1 of 4 stars). 3 submissions from 3 submitters: Pathogenic (1); Likely benign (2). Last evaluated 2026-01-12.

Conditions:
CDHR1-related disorder. Also called: CDHR1-related condition.
CDHR1-related disorders.

Allele frequency attached by ClinVar (database versions not stated): 1000 Genomes Project 0.00020; TOPMed 0.00027; gnomAD 0.00034 and 0.00035; ExAC 0.00035; gnomAD exomes 0.00039 and 0.00044; ESP Exome Variant Server 0.00046; 1000 Genomes Project 30x 0.00047.
gnomAD v4.1: 707 of 1,613,718 alleles (0.044%); highest among the groups gnomAD compares: Non-Finnish European, 0.042%; 1 homozygote.

Submissions (3):

Labcorp Genetics (formerly Invitae), Labcorp
Classification: Likely benign. Last evaluated: 2026-01-12. Review status: criteria provided, single submitter. Criteria: Invitae Variant Classification Sherloc (09022015). Collection method: clinical testing. Allele origin: germline.

PreventionGenetics, part of Exact Sciences
Classification: Likely benign for CDHR1-related condition. Last evaluated: 2025-09-24. Review status: criteria provided, single submitter. Criteria: ACMG Guidelines, 2015. Collection method: clinical testing. Allele origin: germline.
Comment: This variant is classified as likely benign based on ACMG/AMP sequence variant interpretation guidelines (Richards et al. 2015 PMID: 25741868, with internal and published modifications).

Blueprint Genetics
Classification: Pathogenic for CDHR1-related disorders. Last evaluated: 2024-10-17. Review status: criteria provided, single submitter. Criteria: ACMG Guidelines, 2015. Collection method: clinical testing. Allele origin: germline. Affected: yes. Observed: 5 variant alleles.